The following is an entry in ClinVar:

ClinVar aggregate classification (germline): Likely pathogenic (0 of 4 stars; one submission).

Conditions:
DDX41-related disorder. Also called: DDX41-related condition.

Submission:

PreventionGenetics, part of Exact Sciences
Classification: Likely pathogenic for DDX41-related condition. Last evaluated: 2024-07-02. Review status: no assertion criteria provided. Collection method: clinical testing. Allele origin: germline.
Comment: The DDX41 c.138+2T>C variant is predicted to disrupt the GT donor site and interfere with normal splicing. To our knowledge, this variant has not been reported in the literature or in a large population database, indicating this variant is rare. Variants that disrupt the consensus splice donor site in DDX41 are expected to be pathogenic. This variant is interpreted as likely pathogenic.

NM_016222.4(DDX41):c.138+2T>C

Gene: DDX41 (DEAD-box helicase 41; minus strand). Cytogenetic location: 5q35.3.
Variant type: single nucleotide variant.
Coding change: c.138+2T>C on transcript NM_016222.4 (MANE Select); the canonical splice donor site of the intron after coding-DNA position 138, T replaced by C.
Molecular consequence: splice donor variant. On other transcripts: 5 prime UTR variant (1).
Genome position (GRCh38, 1-based): chr5:177,516,723, A>G on the plus strand (T>C on the coding strand, the complement: DDX41 is on the minus strand). VCF-style: chr5-177516723-A-G. GRCh37 (hg19) VCF-style: chr5-176943724-A-G.
Other names: c.-516T>C (NM_001321732.2); c.-310+2T>C (NM_001321830.2).
Identifiers: ClinVar variation 3345485 (VCV003345485.1).